The following is an entry in ClinVar:

ClinVar aggregate classification (germline): Uncertain significance. Review status: criteria provided, multiple submitters, no conflicts (2 of 4 stars). 3 submissions from 3 submitters: Uncertain significance (3). Last evaluated 2025-11-12.

Conditions:
Hereditary cancer-predisposing syndrome. Also called: Neoplastic Syndromes, Hereditary; Hereditary Cancer Syndrome; Hereditary neoplastic syndrome; Tumor predisposition. Identifiers: Orphanet 140162, MedGen C0027672, MeSH D009386, MONDO:0015356.
BAP1-related tumor predisposition syndrome (TPDS1). Also called: COMMON Syndrome; TUMOR PREDISPOSITION SYNDROME 1; BAP1 tumor predisposition syndrome; Tumor susceptibility linked to germline BAP1 mutations. Identifiers: Orphanet 289539, MedGen C3280492, MONDO:0013692, OMIM 614327.

Allele frequency attached by ClinVar (database versions not stated): gnomAD exomes below 0.00001; TOPMed below 0.00001; ExAC 0.00001; gnomAD 0.00001.

Submissions (3):

Labcorp Genetics (formerly Invitae), Labcorp
Classification: Uncertain significance for BAP1-related tumor predisposition syndrome. Last evaluated: 2025-11-12. Review status: criteria provided, single submitter. Criteria: Invitae Variant Classification Sherloc (09022015). Collection method: clinical testing. Allele origin: germline.
Comment: This sequence change replaces glutamine, which is neutral and polar, with arginine, which is basic and polar, at codon 393 of the BAP1 protein (p.Gln393Arg). This variant is not present in population databases (gnomAD no frequency). This variant has not been reported in the literature in individuals affected with BAP1-related conditions. ClinVar contains an entry for this variant (Variation ID: 539918). Invitae Evidence Modeling of protein sequence and biophysical properties (such as structural, functional, and spatial information, amino acid conservation, physicochemical variation, residue mobility, and thermodynamic stability) indicates that this missense variant is not expected to disrupt BAP1 protein function with a negative predictive value of 80%. In summary, the available evidence is currently insufficient to determine the role of this variant in disease. Therefore, it has been classified as a Variant of Uncertain Significance.

Ambry Genetics
Classification: Uncertain significance for Hereditary cancer-predisposing syndrome. Last evaluated: 2024-06-06. Review status: criteria provided, single submitter. Criteria: Ambry Variant Classification Scheme 2023. Collection method: clinical testing. Allele origin: germline.
Comment: The p.Q393R variant (also known as c.1178A>G), located in coding exon 12 of the BAP1 gene, results from an A to G substitution at nucleotide position 1178. The glutamine at codon 393 is replaced by arginine, an amino acid with highly similar properties. This amino acid position is highly conserved in available vertebrate species. In addition, this alteration is predicted to be tolerated by in silico analysis. Based on the available evidence, the clinical significance of this variant remains unclear.

Color Diagnostics, LLC DBA Color Health
Classification: Uncertain significance for Hereditary cancer-predisposing syndrome. Last evaluated: 2021-11-16. Review status: criteria provided, single submitter. Criteria: ACMG Guidelines, 2015. Collection method: clinical testing. Allele origin: germline.
Comment: This missense variant replaces glutamine with arginine at codon 393 of the BAP1 protein. Computational prediction suggests that this variant may not impact protein structure and function (internally defined REVEL score threshold <= 0.5, PMID: 27666373). To our knowledge, functional studies have not been reported for this variant. This variant has been reported in an individual affected with renal clear cell carcinoma in the TCGA database (KIRC_5707-11A). This variant has been identified in 1/248316 chromosomes in the general population by the Genome Aggregation Database (gnomAD). The available evidence is insufficient to determine the role of this variant in disease conclusively. Therefore, this variant is classified as a Variant of Uncertain Significance.

NM_004656.4(BAP1):c.1178A>G (p.Gln393Arg)

Gene: BAP1 (BRCA1 associated deubiquitinase 1; minus strand). Cytogenetic location: 3p21.1.
Variant type: single nucleotide variant.
Coding change: c.1178A>G on transcript NM_004656.4 (MANE Select); coding-DNA position 1178, A replaced by G.
Protein change: p.Gln393Arg; replaces glutamine 393 with arginine.
Molecular consequence: missense variant.
Genome position (GRCh38, 1-based): chr3:52,404,525, T>C on the plus strand (A>G on the coding strand, the complement: BAP1 is on the minus strand). VCF-style: chr3-52404525-T-C. GRCh37 (hg19) VCF-style: chr3-52438541-T-C.
Other names: short protein forms Q393R.
Identifiers: ClinVar variation 539918 (VCV000539918.16), dbSNP rs772689479, ClinGen allele CA2436881.